The following is an entry in ClinVar:

NM_006092.4(NOD1):c.2537+344C>G

Gene: NOD1 (nucleotide binding oligomerization domain containing 1; minus strand). Cytogenetic location: 7p14.3.
Variant type: single nucleotide variant.
Coding change: c.2537+344C>G on transcript NM_006092.4 (MANE Select); 344 bases into the intron after coding-DNA position 2537, C replaced by G.
Molecular consequence: intron variant.
Genome position (GRCh38, 1-based): chr7:30,437,229, G>C on the plus strand (C>G on the coding strand, the complement: NOD1 is on the minus strand). VCF-style: chr7-30437229-G-C. GRCh37 (hg19) VCF-style: chr7-30476845-G-C.
Other names: c.2454-1148C>G (NM_001354849.2).
Identifiers: ClinVar variation 103104 (VCV000103104.2), dbSNP rs199476274, ClinGen allele CA230121.

ClinVar aggregate classification (germline): not provided (0 of 4 stars; one submission).

Allele frequency attached by ClinVar (database versions not stated): 1000 Genomes Project 0.00080; 1000 Genomes Project 30x 0.00125; TOPMed 0.00154.
gnomAD v4.1: 280 of 152,184 alleles (0.18%); highest among the groups gnomAD compares: Non-Finnish European, 0.32%; 1 homozygote.

Submission:

Human Evolutionary Genetics, Institut Pasteur
No classification provided. Review status: no classification provided. Collection method: not provided. Allele origin: germline.
ClinVar note: Converted during submission from untested to not provided.